The following is an entry in ClinVar:

ClinVar aggregate classification (germline): Conflicting classifications of pathogenicity. Review status: criteria provided, conflicting classifications (1 of 4 stars). 2 submissions from 2 submitters: Uncertain significance (1); Likely benign (1). Last evaluated 2024-06-17.

Conditions:
Inborn genetic diseases. Identifiers: MedGen C0950123, MeSH D030342.

gnomAD v4.1: 17 of 1,614,130 alleles (0.0011%); highest among the groups gnomAD compares: East Asian, 0.011%; no homozygotes.

Submissions (2):

Women's Health and Genetics/Laboratory Corporation of America, LabCorp
Classification: Uncertain significance. Last evaluated: 2024-06-17. Review status: criteria provided, single submitter. Criteria: LabCorp Variant Classification Summary - May 2015. Collection method: clinical testing. Allele origin: germline.
Comment: Variant summary: CUL7 c.4624C>T (p.Arg1542Trp) results in a non-conservative amino acid change in the encoded protein sequence. Four of five in-silico tools predict a benign effect of the variant on protein function. The variant allele was found at a frequency of 2e-05 in 251464 control chromosomes. The available data on variant occurrences in the general population are insufficient to allow any conclusion about variant significance. To our knowledge, no occurrence of c.4624C>T in individuals affected with Three M Syndrome 1 and no experimental evidence demonstrating its impact on protein function have been reported. No submitters have cited clinical-significance assessments for this variant to ClinVar. Based on the evidence outlined above, the variant was classified as uncertain significance.

Ambry Genetics
Classification: Likely benign for Inborn genetic diseases. Last evaluated: 2024-05-26. Review status: criteria provided, single submitter. Criteria: Ambry Variant Classification Scheme 2023. Collection method: clinical testing. Allele origin: germline.

NM_014780.5(CUL7):c.4624C>T (p.Arg1542Trp)

Gene: CUL7 (cullin 7; minus strand). Cytogenetic location: 6p21.1.
Variant type: single nucleotide variant.
Coding change: c.4624C>T on transcript NM_014780.5 (MANE Select); coding-DNA position 4624, C replaced by T.
Protein change: p.Arg1542Trp; replaces arginine 1542 with tryptophan.
Molecular consequence: missense variant.
Genome position (GRCh38, 1-based): chr6:43,038,416, G>A on the plus strand (C>T on the coding strand, the complement: CUL7 is on the minus strand). VCF-style: chr6-43038416-G-A. GRCh37 (hg19) VCF-style: chr6-43006154-G-A.
Other names: c.4720C>T, p.Arg1574Trp (NM_001168370.2, NM_001374872.1); c.4636C>T, p.Arg1546Trp (NM_001374873.1); c.4621C>T, p.Arg1541Trp (NM_001374874.1); short protein forms R1541W, R1546W, R1542W, R1574W.
Identifiers: ClinVar variation 3270321 (VCV003270321.2).